The following is an entry in ClinVar:

ClinVar aggregate classification (germline): Pathogenic. Review status: reviewed by expert panel (3 of 4 stars). 3 submissions from 3 submitters: Pathogenic (1). 2 of the submissions do not count toward it. Last evaluated 2026-09-26.

Conditions:
RS1-related disorder. Also called: RS1-related condition.
Juvenile retinoschisis (RS1). Also called: X-Linked Juvenile Retinoschisis; X-linked retinoschisis. Identifiers: Orphanet 792, MedGen C3714753, MONDO:0010725, OMIM 312700.

Submissions (3):

ClinGen X-linked Inherited Retinal Disease Variant Curation Expert Panel, ClinGen
Classification: Pathogenic for Juvenile retinoschisis. Last evaluated: 2026-09-26. Review status: reviewed by expert panel. Criteria: ClinGen X LinkedIRD ACMG Specifications RS1 V1.0.0. Collection method: curation. Allele origin: germline. Inheritance: X-linked inheritance.
Comment: The NM_000330.4(RS1): c.488G>A variant is a nonsense variant in amino acid 163, which results in a premature stop codon and causes a truncated protein. This is a nonsense variant that introduces a premature stop codon between amino acids 1-223 that is predicted to either trigger nonsense-mediated decay or to disrupt a critical C-terminal region required for proper multimerization of RS1 (PVS1, PMID: 19849666). This variant is absent from hemizygous individuals in gnomAD v4.1.0 (PM2_Supporting). At least one proband harboring this variant exhibits a phenotype of the appearance of schisis and reduced visual acuity before age 13 years, which together are specific for X-linked retinoschisis (PMID: 25999676, PP4). The proband from family L is adopted and no haplotype testing was done to verify if the two families are unrelated. The PS4 code was unmet. In summary, this variant is classified as pathogenic for X-linked retinoschisis based on the ClinGen X-linked Inherited Retinal Disease Expert Panel Specifications to the ACMG/AMP Variant Interpretation Guidelines for RS1 Version 1.0.0: PM2_supporting, PVS1, and PP4.

3billion
Classification: Likely pathogenic for Juvenile retinoschisis. Last evaluated: 2022-05-22. Review status: criteria provided, single submitter. Criteria: ACMG Guidelines, 2015. Collection method: clinical testing. Allele origin: germline. Affected: yes. Observed: 1 hemizygote. Not counted in ClinVar's aggregate classification.
Comment: The variant is not observed in the gnomAD v2.1.1 dataset. Stop-gained (nonsense): predicted to result in a loss or disruption of normal protein function through protein truncation. Multiple pathogenic variants are reported in the predicted truncated region. The variant has been reported to be associated with RS1 related disorder (PMID: 25999676). Therefore, this variant is classified as likely pathogenic according to the recommendation of ACMG/AMP guideline.

Blueprint Genetics
Classification: Pathogenic for RS1-related disorders. Last evaluated: 2018-08-08. Review status: criteria provided, single submitter. Criteria: ACMG Guidelines, 2015. Collection method: clinical testing. Allele origin: germline. Affected: yes. Observed: 2 variant alleles. Not counted in ClinVar's aggregate classification.

Literature cited by the submitters: PubMed 25999676 (cited by 3billion).

NM_000330.4(RS1):c.488G>A (p.Trp163Ter)

Genes: CDKL5 (cyclin dependent kinase like 5; plus strand), RS1 (retinoschisin 1; minus strand). Cytogenetic location: Xp22.13.
Variant type: single nucleotide variant.
Coding change: c.488G>A on transcript NM_000330.4 (MANE Select); coding-DNA position 488, G replaced by A.
Protein change: p.Trp163Ter; replaces tryptophan 163 with a stop codon.
Molecular consequence: nonsense. On other transcripts: intron variant (2).
Genome position (GRCh38, 1-based): chrX:18,644,464, C>T on the plus strand (G>A on the coding strand, the complement: RS1 is on the minus strand). VCF-style: chrX-18644464-C-T. GRCh37 (hg19) VCF-style: chrX-18662584-C-T.
Other names: NM_000330.4(RS1):c.488G>A; p.Trp163Ter; c.2714-1543C>T (NM_003159.3, NM_001037343.2); short protein forms W163*.
Identifiers: ClinVar variation 1687470 (VCV001687470.4), dbSNP rs2147191142, ClinGen allele CA412371375.